The following is an entry in ClinVar:

NM_000044.6(AR):c.2268del (p.Asn757fs)

Gene: AR (androgen receptor; plus strand). Cytogenetic location: Xq12.
Variant type: Deletion.
Coding change: c.2268del on transcript NM_000044.6 (MANE Select); coding-DNA position 2268, one base deleted (C; older notation c.2268delC).
Protein change: p.Asn757fs; shifts the reading frame from asparagine 757.
Molecular consequence: frameshift variant.
Genome position (GRCh38, 1-based): chrX:67,717,572, C deleted; the last of 2 consecutive C bases (chrX:67,717,571-67,717,572); deleting either gives the same sequence. VCF-style (leftmost placement, unchanged base first): chrX-67717570-AC-A. GRCh37 (hg19) VCF-style: chrX-66937412-AC-A.
Other names: c.672del, p.Asn225fs (NM_001011645.3); c.2271delC, p.Asn758Metfs (NM_001424175.1); short protein forms N225fs, N757fs.
Identifiers: ClinVar variation 2921730 (VCV002921730.3), dbSNP rs2519835678, ClinGen allele CA2740092179.

ClinVar aggregate classification (germline): Pathogenic (1 of 4 stars; one submission).

Conditions:
Kennedy disease (SMAX1). Also called: SPINAL AND BULBAR MUSCULAR ATROPHY, X-LINKED 1; KENNEDY SPINAL AND BULBAR MUSCULAR ATROPHY; Spinal and Bulbar Muscular Atrophy. Identifiers: Orphanet 481, MedGen C1839259, MONDO:0010735, OMIM 313200.
Androgen resistance syndrome (AIS). Also called: ANDROGEN RECEPTOR DEFICIENCY; DIHYDROTESTOSTERONE RECEPTOR DEFICIENCY; TESTICULAR FEMINIZATION SYNDROME; Androgen insensitivity, complete; Androgen insensitivity syndrome due to coactivator deficiency; Androgen insensitivity syndrome. Identifiers: Orphanet 754, Orphanet 99429, MedGen C0039585, MONDO:0019154, OMIM 300068. Disease mechanism: loss of function.

Submission:

Labcorp Genetics (formerly Invitae), Labcorp
Classification: Pathogenic for Kennedy disease; Androgen resistance syndrome. Last evaluated: 2023-12-26. Review status: criteria provided, single submitter. Criteria: Invitae Variant Classification Sherloc (09022015). Collection method: clinical testing. Allele origin: germline.
Comment: This sequence change creates a premature translational stop signal (p.Asn757Metfs*32) in the AR gene. It is expected to result in an absent or disrupted protein product. Loss-of-function variants in AR are known to be pathogenic (PMID: 19463997). This variant is not present in population databases (gnomAD no frequency). This variant has not been reported in the literature in individuals affected with AR-related conditions. For these reasons, this variant has been classified as Pathogenic.

Literature cited by the submitters: PubMed 19463997.